The following is an entry in ClinVar:

ClinVar aggregate classification (germline): Uncertain significance. Review status: criteria provided, multiple submitters, no conflicts (2 of 4 stars). 2 submissions from 2 submitters: Uncertain significance (2). Last evaluated 2025-01-23.

Conditions:
Familial cold autoinflammatory syndrome 2 (FCAS2). Identifiers: Orphanet 247868, MedGen C2673198, MONDO:0012724, OMIM 611762.

Allele frequency attached by ClinVar (database versions not stated): gnomAD 0.00003; TOPMed 0.00003; ExAC 0.00006; ESP Exome Variant Server 0.00015.
gnomAD v4.1: 25 of 1,613,934 alleles (0.0015%); highest among the groups gnomAD compares: African/African-American, 0.0027%; no homozygotes.

Submissions (2):

Labcorp Genetics (formerly Invitae), Labcorp
Classification: Uncertain significance for Familial cold autoinflammatory syndrome 2. Last evaluated: 2025-01-23. Review status: criteria provided, single submitter. Criteria: Invitae Variant Classification Sherloc (09022015). Collection method: clinical testing. Allele origin: germline.
Comment: This sequence change replaces arginine, which is basic and polar, with histidine, which is basic and polar, at codon 12 of the NLRP12 protein (p.Arg12His). This variant is present in population databases (rs376754003, gnomAD 0.01%). This variant has not been reported in the literature in individuals affected with NLRP12-related conditions. ClinVar contains an entry for this variant (Variation ID: 936855). Invitae Evidence Modeling of protein sequence and biophysical properties (such as structural, functional, and spatial information, amino acid conservation, physicochemical variation, residue mobility, and thermodynamic stability) indicates that this missense variant is not expected to disrupt NLRP12 protein function with a negative predictive value of 80%. In summary, the available evidence is currently insufficient to determine the role of this variant in disease. Therefore, it has been classified as a Variant of Uncertain Significance.

Undiagnosed Diseases Network, NIH
Classification: Uncertain significance for Familial cold autoinflammatory syndrome 2. Last evaluated: 2017-02-22. Review status: criteria provided, single submitter. Criteria: ACMG Guidelines, 2015. Collection method: clinical testing. Allele origin: unknown. Inheritance: Autosomal dominant inheritance. Affected: yes. Observed: 1 variant allele, 1 heterozygote. Study: Undiagnosed Diseases Network (NIH), UDN.

NM_144687.4(NLRP12):c.35G>A (p.Arg12His)

Gene: NLRP12 (NLR family pyrin domain containing 12; minus strand). Cytogenetic location: 19q13.42.
Variant type: single nucleotide variant.
Coding change: c.35G>A on transcript NM_144687.4 (MANE Select); coding-DNA position 35, G replaced by A.
Protein change: p.Arg12His; replaces arginine 12 with histidine.
Molecular consequence: missense variant.
Genome position (GRCh38, 1-based): chr19:53,824,140, C>T on the plus strand (G>A on the coding strand, the complement: NLRP12 is on the minus strand). VCF-style: chr19-53824140-C-T. GRCh37 (hg19) VCF-style: chr19-54327394-C-T.
Other names: c.35G>A, p.Arg12His (NM_001277126.2, NM_001277129.1); short protein forms R12H.
Identifiers: ClinVar variation 936855 (VCV000936855.12), dbSNP rs376754003, ClinGen allele CA9639855.